The following is an entry in ClinVar:

ClinVar aggregate classification (germline): Likely benign (1 of 4 stars; one submission).

Conditions:
DYRK1B-related disorder. Also called: DYRK1B-related condition.

Submission:

PreventionGenetics, part of Exact Sciences
Classification: Likely benign for DYRK1B-related condition. Last evaluated: 2025-09-29. Review status: criteria provided, single submitter. Criteria: ACMG Guidelines, 2015. Collection method: clinical testing. Allele origin: germline.
Comment: This variant is classified as likely benign based on ACMG/AMP sequence variant interpretation guidelines (Richards et al. 2015 PMID: 25741868, with internal and published modifications).

NM_004714.3(DYRK1B):c.184-20CTGG[3]

Gene: DYRK1B (dual specificity tyrosine phosphorylation regulated kinase 1B; minus strand). Cytogenetic location: 19q13.2.
Variant type: Microsatellite.
Coding change: c.184-20CTGG[3] on transcript NM_004714.3 (MANE Select); three copies in a row of the 4-base unit CTGG starting at c.184-20; the reference has four copies in a row; one copy, 4 bases deleted.
Molecular consequence: intron variant.
Genome position (GRCh38, 1-based): chr19:39,830,568-39,830,571, CCAG deleted on the plus strand (CTGG on the coding strand, the reverse complement: DYRK1B is on the minus strand); deleting any 4 consecutive bases within chr19:39,830,568-39,830,583 gives the same sequence; the position shown is the placement nearest the transcript's 3' end. VCF-style (leftmost placement, unchanged base first): chr19-39830567-CCCAG-C. GRCh37 (hg19) VCF-style: chr19-40321207-CCCAG-C.
Other names: c.184-20CTGG[3] (NM_006483.3, NM_006484.3).
Identifiers: ClinVar variation 4988634 (VCV004988634.1).
Genomic context (GRCh38, chr19:39,830,567, plus strand): 5'-GCTCGAATCCTGGGGTGGCGCCTGCTGGGCCCGCCGCTTCTTCTTCGCATAGTATACCTG[CCCAG>C]CCAGCCAGCCAGGAGATGGGGACTGGTGAGTGACTCATGCCAGCAGACAAGACCCTCGGC-3'